The following is an entry in ClinVar:

ClinVar aggregate classification (germline): Uncertain significance. Review status: criteria provided, multiple submitters, no conflicts (2 of 4 stars). 2 submissions from 2 submitters: Uncertain significance (2). Last evaluated 2023-08-15.

Conditions:
Inborn genetic diseases. Identifiers: MedGen C0950123, MeSH D030342.
Spongy degeneration of central nervous system. Also called: ACY2 DEFICIENCY; AMINOACYLASE 2 DEFICIENCY; ASP DEFICIENCY; ASPA DEFICIENCY; ASPARTOACYLASE DEFICIENCY; CANAVAN-VAN BOGAERT-BERTRAND DISEASE. Identifiers: Orphanet 141, MedGen C0206307, MONDO:0010079, OMIM 271900.

Allele frequency attached by ClinVar (database versions not stated): gnomAD exomes below 0.00001; ExAC 0.00001.
gnomAD v4.1: 6 of 1,614,098 alleles (0.00037%); highest among the groups gnomAD compares: Non-Finnish European, 0.00042%; no homozygotes.

Submissions (2):

Ambry Genetics
Classification: Uncertain significance for Inborn genetic diseases. Last evaluated: 2023-08-15. Review status: criteria provided, single submitter. Criteria: Ambry Variant Classification Scheme 2023. Collection method: clinical testing. Allele origin: germline.

Labcorp Genetics (formerly Invitae), Labcorp
Classification: Uncertain significance for Spongy degeneration of central nervous system. Last evaluated: 2021-08-26. Review status: criteria provided, single submitter. Criteria: Invitae Variant Classification Sherloc (09022015). Collection method: clinical testing. Allele origin: germline.
Comment: This sequence change replaces lysine with glutamine at codon 163 of the ASPA protein (p.Lys163Gln). The lysine residue is highly conserved and there is a small physicochemical difference between lysine and glutamine. This variant is present in population databases (rs755639531, ExAC 0.001%). This variant has not been reported in the literature in individuals affected with ASPA-related conditions. Algorithms developed to predict the effect of missense changes on protein structure and function are either unavailable or do not agree on the potential impact of this missense change (SIFT: "Deleterious"; PolyPhen-2: "Benign"; Align-GVGD: "Class C0"). In summary, the available evidence is currently insufficient to determine the role of this variant in disease. Therefore, it has been classified as a Variant of Uncertain Significance.

NM_000049.4(ASPA):c.487A>C (p.Lys163Gln)

Genes: ASPA (aspartoacylase; plus strand), SPATA22 (spermatogenesis associated 22; minus strand). Cytogenetic location: 17p13.2.
Variant type: single nucleotide variant.
Coding change: c.487A>C on transcript NM_000049.4 (MANE Select); coding-DNA position 487, A replaced by C.
Protein change: p.Lys163Gln; replaces lysine 163 with glutamine.
Molecular consequence: missense variant. On other transcripts: intron variant (2).
Genome position (GRCh38, 1-based): chr17:3,483,553, A>C. VCF-style: chr17-3483553-A-C. GRCh37 (hg19) VCF-style: chr17-3386847-A-C.
Other names: c.487A>C, p.Lys163Gln (NM_001128085.1); c.-73-14155T>G (NM_001321336.2, NM_001321337.2); short protein forms K163Q.
Identifiers: ClinVar variation 1986508 (VCV001986508.2), dbSNP rs755639531, ClinGen allele CA8288944.